The following is an entry in ClinVar:

ClinVar aggregate classification (germline): Likely benign (1 of 4 stars; one submission).

gnomAD v4.1: 30 of 1,613,940 alleles (0.0019%); highest among the groups gnomAD compares: Middle Eastern, 0.016%; no homozygotes.

Submission:

CeGaT Center for Human Genetics Tuebingen
Classification: Likely benign. Last evaluated: 2025-02-01. Review status: criteria provided, single submitter. Criteria: CeGaT Center For Human Genetics Tuebingen Variant Classification Criteria Version 2. Collection method: clinical testing. Allele origin: germline. Affected: yes. Observed: 1 variant allele.
Comment: SRRM2: BS2

NM_016333.4(SRRM2):c.6774C>G (p.Asp2258Glu)

Gene: SRRM2 (serine/arginine repetitive matrix 2; plus strand). Cytogenetic location: 16p13.3.
Variant type: single nucleotide variant.
Coding change: c.6774C>G on transcript NM_016333.4 (MANE Select); coding-DNA position 6774, C replaced by G.
Protein change: p.Asp2258Glu; replaces aspartic acid 2258 with glutamic acid.
Molecular consequence: missense variant.
Genome position (GRCh38, 1-based): chr16:2,767,302, C>G. VCF-style: chr16-2767302-C-G. GRCh37 (hg19) VCF-style: chr16-2817303-C-G.
Other names: short protein forms D2258E.
Identifiers: ClinVar variation 3771122 (VCV003771122.13).